The following is an entry in ClinVar:

ClinVar aggregate classification (germline): Uncertain significance (1 of 4 stars; one submission).

Allele frequency attached by ClinVar (database versions not stated): gnomAD exomes 0.00001; ExAC 0.00002; gnomAD 0.00003; TOPMed 0.00003; 1000 Genomes Project 30x 0.00016; 1000 Genomes Project 0.00020.
gnomAD v4.1: 43 of 1,613,972 alleles (0.0027%); highest among the groups gnomAD compares: African/African-American, 0.008%; no homozygotes.

Submission:

Labcorp Genetics (formerly Invitae), Labcorp
Classification: Uncertain significance. Last evaluated: 2021-08-26. Review status: criteria provided, single submitter. Criteria: Invitae Variant Classification Sherloc (09022015). Collection method: clinical testing. Allele origin: germline.
Comment: This sequence change replaces valine with methionine at codon 57 of the SLC25A12 protein (p.Val57Met). The valine residue is highly conserved and there is a small physicochemical difference between valine and methionine. This variant is present in population databases (rs555001126, ExAC 0.01%). This variant has not been reported in the literature in individuals affected with SLC25A12-related conditions. Algorithms developed to predict the effect of missense changes on protein structure and function are either unavailable or do not agree on the potential impact of this missense change (SIFT: "Deleterious"; PolyPhen-2: "Possibly Damaging"; Align-GVGD: "Class C0"). In summary, the available evidence is currently insufficient to determine the role of this variant in disease. Therefore, it has been classified as a Variant of Uncertain Significance.

NM_003705.5(SLC25A12):c.169G>A (p.Val57Met)

Gene: SLC25A12 (solute carrier family 25 member 12; minus strand). Cytogenetic location: 2q31.1.
Variant type: single nucleotide variant.
Coding change: c.169G>A on transcript NM_003705.5 (MANE Select); coding-DNA position 169, G replaced by A.
Protein change: p.Val57Met; replaces valine 57 with methionine.
Molecular consequence: missense variant. On other transcripts: non-coding transcript variant (1).
Genome position (GRCh38, 1-based): chr2:171,868,721, C>T on the plus strand (G>A on the coding strand, the complement: SLC25A12 is on the minus strand). VCF-style: chr2-171868721-C-T. GRCh37 (hg19) VCF-style: chr2-172725231-C-T.
Other names: short protein forms V57M.
Identifiers: ClinVar variation 851364 (VCV000851364.7), dbSNP rs555001126, ClinGen allele CA1966460.
Genomic context (GRCh38, chr2:171,868,721, plus strand): 5'-AAATGCATGAAGATACTTACCCATCCTTGGTTTGATCAGCTACTCCTGCCAAGAGCTGCA[C>T]GATCTTTGGGTTACTATTTGGATCATTATACAGTCCAAGATAGCGCTGAACAAAGTCTTC-3'
Protein context (NP_003696.2, residues 47-67): YNDPNSNPKI[Val57Met]QLLAGVADQT